The following is an entry in ClinVar:

ClinVar aggregate classification (germline): Uncertain significance (1 of 4 stars; one submission).

Conditions:
Centromeric instability of chromosomes 1,9 and 16 and immunodeficiency (ICF1). Also called: IMMUNE DEFICIENCY, VARIABLE, WITH CENTROMERIC INSTABILITY OF CHROMOSOMES 1, 9, AND 16; IMMUNODEFICIENCY SYNDROME, VARIABLE; Immunodeficiency-centromeric instability-facial anomalies; CENTROMERIC INSTABILITY, IMMUNODEFICIENCY SYNDROME. Identifiers: Orphanet 2268, MedGen C0398788, MONDO:0000133.

Submission:

Labcorp Genetics (formerly Invitae), Labcorp
Classification: Uncertain significance for Centromeric instability of chromosomes 1,9 and 16 and immunodeficiency. Last evaluated: 2024-12-04. Review status: criteria provided, single submitter. Criteria: Invitae Variant Classification Sherloc (09022015). Collection method: clinical testing. Allele origin: germline.
Comment: This sequence change replaces threonine, which is neutral and polar, with isoleucine, which is neutral and non-polar, at codon 143 of the DNMT3B protein (p.Thr143Ile). This variant is not present in population databases (gnomAD no frequency). This variant has not been reported in the literature in individuals affected with DNMT3B-related conditions. Invitae Evidence Modeling of protein sequence and biophysical properties (such as structural, functional, and spatial information, amino acid conservation, physicochemical variation, residue mobility, and thermodynamic stability) indicates that this missense variant is not expected to disrupt DNMT3B protein function with a negative predictive value of 95%. In summary, the available evidence is currently insufficient to determine the role of this variant in disease. Therefore, it has been classified as a Variant of Uncertain Significance.

NM_006892.4(DNMT3B):c.428C>T (p.Thr143Ile)

Gene: DNMT3B (DNA methyltransferase 3 beta; plus strand). Cytogenetic location: 20q11.21.
Variant type: single nucleotide variant.
Coding change: c.428C>T on transcript NM_006892.4 (MANE Select); coding-DNA position 428, C replaced by T.
Protein change: p.Thr143Ile; replaces threonine 143 with isoleucine.
Molecular consequence: missense variant. On other transcripts: intron variant (8).
Genome position (GRCh38, 1-based): chr20:32,786,623, C>T. VCF-style: chr20-32786623-C-T. GRCh37 (hg19) VCF-style: chr20-31374429-C-T.
Other names: c.428C>T, p.Thr143Ile (NM_001424351.1, NM_001424353.1, NM_001424355.1 and 2 more transcripts); c.464C>T, p.Thr155Ile (NM_001424359.1, NM_175850.3); c.307-607C>T (NM_001424352.1, NM_001424356.1, NM_001424358.1 and 3 more transcripts); c.205-607C>T (NM_001207056.2); c.343-607C>T (NM_001424360.1); short protein forms T143I, T155I.
Identifiers: ClinVar variation 3720986 (VCV003720986.2).